The following is an entry in ClinVar:

ClinVar aggregate classification (germline): Uncertain significance (1 of 4 stars; one submission).

Allele frequency attached by ClinVar (database versions not stated): ExAC 0.00001; TOPMed 0.00001; gnomAD 0.00001.

Submission:

Labcorp Genetics (formerly Invitae), Labcorp
Classification: Uncertain significance. Last evaluated: 2021-12-20. Review status: criteria provided, single submitter. Criteria: Invitae Variant Classification Sherloc (09022015). Collection method: clinical testing. Allele origin: germline.
Comment: This sequence change replaces leucine, which is neutral and non-polar, with phenylalanine, which is neutral and non-polar, at codon 203 of the COQ6 protein (p.Leu203Phe). This variant is present in population databases (rs755631695, gnomAD 0.007%). This variant has not been reported in the literature in individuals affected with COQ6-related conditions. Algorithms developed to predict the effect of missense changes on protein structure and function are either unavailable or do not agree on the potential impact of this missense change (SIFT: "Deleterious"; PolyPhen-2: "Probably Damaging"; Align-GVGD: "Class C15"). In summary, the available evidence is currently insufficient to determine the role of this variant in disease. Therefore, it has been classified as a Variant of Uncertain Significance.

NM_182476.3(COQ6):c.609G>C (p.Leu203Phe)

Genes: COQ6 (coenzyme Q6, monooxygenase; plus strand), ENTPD5 (ectonucleoside triphosphate diphosphohydrolase 5; minus strand). Cytogenetic location: 14q24.3.
Variant type: single nucleotide variant.
Coding change: c.609G>C on transcript NM_182476.3 (MANE Select); coding-DNA position 609, G replaced by C.
Protein change: p.Leu203Phe; replaces leucine 203 with phenylalanine.
Molecular consequence: missense variant. On other transcripts: 3 prime UTR variant (3), intron variant (5).
Genome position (GRCh38, 1-based): chr14:73,958,274, G>C. VCF-style: chr14-73958274-G-C. GRCh37 (hg19) VCF-style: chr14-74424977-G-C.
Other names: c.282G>C, p.Leu94Phe (NM_001425263.1); c.534G>C, p.Leu178Phe (NM_182480.3, NM_001425258.1); c.*1256C>G (NM_001330189.2, NM_001382259.1, NM_001382260.1); c.73-697G>C (NM_001425265.1, NM_001425264.1); c.358-697G>C (NM_001425262.1); c.1201-2687C>G (NM_001382258.1); c.1201-2446C>G (NM_001382262.1); c.609G>C, p.Leu203Phe (NM_001425255.1, NM_001425256.1); and 2 more; short protein forms L203F, L178F.
Identifiers: ClinVar variation 1953350 (VCV001953350.2), dbSNP rs755631695, ClinGen allele CA7264239.